The following is an entry in ClinVar:

NM_001349206.2(LPIN1):c.564G>A (p.Ser188=)

Gene: LPIN1 (lipin 1; plus strand). Cytogenetic location: 2p25.1.
Variant type: single nucleotide variant.
Coding change: c.564G>A on transcript NM_001349206.2 (MANE Select); coding-DNA position 564, G replaced by A.
Protein change: p.Ser188=; no amino-acid change (serine 188 retained).
Molecular consequence: synonymous variant. On other transcripts: non-coding transcript variant (1).
Genome position (GRCh38, 1-based): chr2:11,771,647, G>A. VCF-style: chr2-11771647-G-A. GRCh37 (hg19) VCF-style: chr2-11911773-G-A.
Other names: p.Ser188=; c.582G>A, p.Ser194= (NM_001261427.3); c.711G>A, p.Ser237= (NM_001261428.3, NM_001349208.2); c.564G>A, p.Ser188= (NM_001349199.2, NM_001349200.2, NM_001349201.2 and 5 more transcripts); c.654G>A, p.Ser218= (NM_001349207.2).
Identifiers: ClinVar variation 790497 (VCV000790497.13), dbSNP rs149765431, ClinGen allele CA1533453.

ClinVar aggregate classification (germline): Likely benign. Review status: criteria provided, multiple submitters, no conflicts (2 of 4 stars). 4 submissions from 4 submitters: Likely benign (4). Last evaluated 2026-01-26.

Conditions:
Myoglobinuria, acute recurrent, autosomal recessive. Also called: Myoglobinuria, recurrent, autosomal recessive; MYOGLOBINURIA, FAMILIAL PAROXYSMAL PARALYTIC; RHABDOMYOLYSIS, ACUTE RECURRENT. Identifiers: Orphanet 99845, MedGen C1849386, MONDO:0009992, OMIM 268200.

Allele frequency attached by ClinVar (database versions not stated): gnomAD 0.00044 and 0.00046; ESP Exome Variant Server 0.00046; TOPMed 0.00047; gnomAD exomes 0.00012; 1000 Genomes Project 30x 0.00031; 1000 Genomes Project 0.00040.
gnomAD v4.1: 165 of 1,599,348 alleles (0.01%); highest among the groups gnomAD compares: African/African-American, 0.14%; no homozygotes.

Submissions (4):

Labcorp Genetics (formerly Invitae), Labcorp
Classification: Likely benign. Last evaluated: 2026-01-26. Review status: criteria provided, single submitter. Criteria: Invitae Variant Classification Sherloc (09022015). Collection method: clinical testing. Allele origin: germline.

Mayo Clinic Laboratories, Mayo Clinic
Classification: Likely benign. Last evaluated: 2025-08-29. Review status: criteria provided, single submitter. Criteria: ACMG Guidelines, 2015. Collection method: clinical testing. Allele origin: germline. Observed: 2 variant alleles.
Comment: BP4, BP7

Fulgent Genetics
Classification: Likely benign for Myoglobinuria, acute recurrent, autosomal recessive. Last evaluated: 2021-12-24. Review status: criteria provided, single submitter. Criteria: ACMG Guidelines, 2015. Collection method: clinical testing. Allele origin: unknown.

Breakthrough Genomics
Classification: Likely benign. Review status: criteria provided, single submitter. Criteria: ACMG Guidelines, 2015. Collection method: not provided. Allele origin: germline. Inheritance: Autosomal recessive inheritance. Affected: yes.